The following is an entry in ClinVar:

NM_020631.6(PLEKHG5):c.2864A>G (p.Lys955Arg)

Gene: PLEKHG5 (pleckstrin homology and RhoGEF domain containing G5; minus strand). Cytogenetic location: 1p36.31.
Variant type: single nucleotide variant.
Coding change: c.2864A>G on transcript NM_020631.6 (MANE Select); coding-DNA position 2864, A replaced by G.
Protein change: p.Lys955Arg; replaces lysine 955 with arginine.
Molecular consequence: missense variant. On other transcripts: intron variant (1).
Genome position (GRCh38, 1-based): chr1:6,467,972, T>C on the plus strand (A>G on the coding strand, the complement: PLEKHG5 is on the minus strand). VCF-style: chr1-6467972-T-C. GRCh37 (hg19) VCF-style: chr1-6528032-T-C.
Other names: p.Lys955Arg; c.2864A>G (NM_020631.5); c.2975A>G, p.Lys992Arg (NM_001042663.3, NM_001265592.2); c.2864A>G, p.Lys955Arg (NM_001042664.2, NM_001042665.2, NM_198681.4); c.3071A>G, p.Lys1024Arg (NM_001265593.2); c.2738-74A>G (NM_001265594.3); short protein forms K955R, K1024R, K992R.
Identifiers: ClinVar variation 572080 (VCV000572080.16), dbSNP rs771066341, ClinGen allele CA561077.
Genomic context (GRCh38, chr1:6,467,972, plus strand): 5'-CCTGGTGGGGGCTCAGGCTGGACCCTGGGAGAGGCCCCCGAGGGCAGGTCTCCACACCTC[T>C]TCCTGTGGGAGCCTGCAGGTTCCCCGGCCAGGCAGCCGACTAGCCCAGGACCGCTGCCAG-3'
Protein context (NP_065682.2, residues 945-965): LAGEPAGSHR[Lys955Arg]RCGDLPSGAS

ClinVar aggregate classification (germline): Conflicting classifications of pathogenicity. Review status: criteria provided, conflicting classifications (1 of 4 stars). 3 submissions from 3 submitters: Uncertain significance (1); Likely benign (2). Last evaluated 2025-10-17.

Conditions:
Inborn genetic diseases. Identifiers: MedGen C0950123, MeSH D030342.
Charcot-Marie-Tooth disease recessive intermediate C. Also called: CHARCOT-MARIE-TOOTH NEUROPATHY, RECESSIVE INTERMEDIATE C. Identifiers: Orphanet 369867, MedGen C3809309, MONDO:0014154, OMIM 615376.
Neuronopathy, distal hereditary motor, autosomal recessive 4. Also called: Autosomal recessive lower motor neuron disease with childhood onset; NEUROPATHY, DISTAL HEREDITARY MOTOR, AUTOSOMAL RECESSIVE 4. Identifiers: Orphanet 206580, MedGen C1970211, MONDO:0012608, OMIM 611067.

Allele frequency attached by ClinVar (database versions not stated): gnomAD 0.00005; ExAC 0.00026; TOPMed 0.00028; gnomAD exomes 0.00032.
gnomAD v4.1: 67 of 1,561,378 alleles (0.0043%); highest among the groups gnomAD compares: Admixed American, 0.11%; no homozygotes.

Submissions (3):

Mayo Clinic Laboratories, Mayo Clinic
Classification: Likely benign. Last evaluated: 2025-10-17. Review status: criteria provided, single submitter. Criteria: ACMG Guidelines, 2015. Collection method: clinical testing. Allele origin: germline. Observed: 1 variant allele.
Comment: BS1, BP4_moderate

Ambry Genetics
Classification: Likely benign for Inborn genetic diseases. Last evaluated: 2025-06-12. Review status: criteria provided, single submitter. Criteria: Ambry Variant Classification Scheme 2023. Collection method: clinical testing. Allele origin: germline.

Labcorp Genetics (formerly Invitae), Labcorp
Classification: Uncertain significance for Neuronopathy, distal hereditary motor, autosomal recessive 4; Charcot-Marie-Tooth disease recessive intermediate C. Last evaluated: 2023-12-30. Review status: criteria provided, single submitter. Criteria: Invitae Variant Classification Sherloc (09022015). Collection method: clinical testing. Allele origin: germline.
Comment: This sequence change replaces lysine, which is basic and polar, with arginine, which is basic and polar, at codon 955 of the PLEKHG5 protein (p.Lys955Arg). This variant is present in population databases (rs771066341, gnomAD 0.1%). This variant has not been reported in the literature in individuals affected with PLEKHG5-related conditions. ClinVar contains an entry for this variant (Variation ID: 572080). Algorithms developed to predict the effect of missense changes on protein structure and function output the following: SIFT: "Not Available"; PolyPhen-2: "Benign"; Align-GVGD: "Not Available". The arginine amino acid residue is found in multiple mammalian species, which suggests that this missense change does not adversely affect protein function. In summary, the available evidence is currently insufficient to determine the role of this variant in disease. Therefore, it has been classified as a Variant of Uncertain Significance.